The following is an entry in ClinVar:

ClinVar aggregate classification (germline): Conflicting classifications of pathogenicity. Review status: criteria provided, conflicting classifications (1 of 4 stars). 6 submissions from 6 submitters: Uncertain significance (5); Likely benign (1). Last evaluated 2025-10-16.

Conditions:
Hereditary cancer-predisposing syndrome. Also called: Neoplastic Syndromes, Hereditary; Tumor predisposition; Hereditary Cancer Syndrome; Hereditary neoplastic syndrome. Identifiers: Orphanet 140162, MedGen C0027672, MeSH D009386, MONDO:0015356.
Hereditary breast ovarian cancer syndrome. Also called: Hereditary breast and ovarian cancer; Hereditary breast and/or ovarian cancer syndrome; BRCA1- and BRCA2-Associated Hereditary Breast and Ovarian Cancer; Hereditary breast and ovarian cancer syndrome (HBOC); Hereditary breast and ovarian cancer syndrome; Breast and ovarian cancer. Identifiers: Orphanet 145, MedGen C0677776, MeSH D061325, MONDO:0003582. Disease mechanism: loss of function.
Familial cancer of breast. Also called: BREAST CANCER, FAMILIAL; Hereditary breast cancer; hereditary breast carcinoma. Identifiers: Orphanet 227535, MedGen C0346153, MONDO:0016419, OMIM 114480. Disease mechanism: loss of function.

Submissions (6):

Labcorp Genetics (formerly Invitae), Labcorp
Classification: Uncertain significance for Hereditary breast ovarian cancer syndrome. Last evaluated: 2025-10-16. Review status: criteria provided, single submitter. Criteria: Invitae Variant Classification Sherloc (09022015). Collection method: clinical testing. Allele origin: germline.
Comment: This sequence change replaces proline, which is neutral and non-polar, with serine, which is neutral and polar, at codon 3054 of the BRCA2 protein (p.Pro3054Ser). This variant is not present in population databases (gnomAD no frequency). This variant has not been reported in the literature in individuals affected with BRCA2-related conditions. ClinVar contains an entry for this variant (Variation ID: 188105). Invitae Evidence Modeling of protein sequence and biophysical properties (such as structural, functional, and spatial information, amino acid conservation, physicochemical variation, residue mobility, and thermodynamic stability) indicates that this missense variant is not expected to disrupt BRCA2 protein function with a negative predictive value of 95%. In summary, the available evidence is currently insufficient to determine the role of this variant in disease. Therefore, it has been classified as a Variant of Uncertain Significance.

ARUP Laboratories, Molecular Genetics and Genomics, ARUP Laboratories
Classification: Uncertain significance. Last evaluated: 2024-08-26. Review status: criteria provided, single submitter. Criteria: ARUP Molecular Germline Variant Investigation Process 2024. Collection method: clinical testing. Allele origin: germline.
Comment: The BRCA2 c.9160C>T; p.Pro3054Ser variant (rs786204070), to our knowledge, is not reported in the medical literature but is reported in ClinVar (Variation ID: 188105). This variant is absent from the Genome Aggregation Database (v2.1.1), indicating it is not a common polymorphism. This variant is located within the BRCA2 DNA binding domain, but computational analyses predict that this variant is neutral (BayesDel). Due to limited information, the clinical significance of this variant is uncertain at this time.

Baylor Genetics
Classification: Uncertain significance for Familial cancer of breast. Last evaluated: 2023-11-22. Review status: criteria provided, single submitter. Criteria: ACMG Guidelines, 2015. Collection method: clinical testing. Allele origin: unknown.

Color Diagnostics, LLC DBA Color Health
Classification: Uncertain significance for Hereditary cancer-predisposing syndrome. Last evaluated: 2022-12-21. Review status: criteria provided, single submitter. Criteria: ACMG Guidelines, 2015. Collection method: clinical testing. Allele origin: germline.
Comment: This missense variant replaces proline with serine at codon 3054 of the BRCA2 protein. Computational prediction suggests that this variant may not impact protein structure and function (internally defined REVEL score threshold <= 0.5, PMID: 27666373). A functional study has reported that this variant does not impact BRCA2 function as assayed by response to PARP inhibitors (PMID: 32444794). This variant has not been reported in individuals affected with BRCA2-related disorders in the literature. This variant has not been identified in the general population by the Genome Aggregation Database (gnomAD). The available evidence is insufficient to determine the role of this variant in disease conclusively. Therefore, this variant is classified as a Variant of Uncertain Significance.

Ambry Genetics
Classification: Likely benign for Hereditary cancer-predisposing syndrome. Last evaluated: 2022-01-11. Review status: criteria provided, single submitter. Criteria: Ambry Variant Classification Scheme 2023. Collection method: clinical testing. Allele origin: germline.

Women's Health and Genetics/Laboratory Corporation of America, LabCorp
Classification: Uncertain significance. Last evaluated: 2021-09-11. Review status: criteria provided, single submitter. Criteria: LabCorp Variant Classification Summary - May 2015. Collection method: clinical testing. Allele origin: germline.
Comment: Variant summary: BRCA2 c.9160C>T (p.Pro3054Ser) results in a non-conservative amino acid change located in the BRCA2, OB3 domain (IPR015188) of the encoded protein sequence. Four of five in-silico tools predict a benign effect of the variant on protein function. The variant was absent in 251260 control chromosomes. The available data on variant occurrences in the general population are insufficient to allow any conclusion about variant significance. To our knowledge, no occurrence of c.9160C>T in individuals affected with Hereditary Breast And Ovarian Cancer Syndrome has been reported. At least one publication reports experimental evidence evaluating an impact on protein function (Ikegami_2020). Tumors with pathogenic variants within BRCA and defective HDR have been shown to be particularly sensitive to platinum-based chemotherapies and poly (ADP-ribose) polymerase (PARP) inhibitors, the efficacy of which is mediated through synthetic lethality in cancer cells with BRCA loss-of function. These results showed no damaging effect of this variant on homology directed repair (HDR capacity) based on a high throughput cell based viability assay (MANO-B method) to evaluate drug sensitivity of the BRCA2 variants treated with PARP inhibitors (olaparib, niraparib, rucaparib and carboplatin) at various concentrations. Two clinical diagnostic laboratories have submitted clinical-significance assessments for this variant to ClinVar after 2014 without evidence for independent evaluation. All laboratories classified the variant as uncertain significance. Based on the evidence outlined above, the variant was classified as uncertain significance.

Literature cited by the submitters: PubMed 32444794 (cited by Color Diagnostics, LLC DBA Color Health and Women's Health and Genetics/Laboratory Corporation of America, LabCorp).

NM_000059.4(BRCA2):c.9160C>T (p.Pro3054Ser)

Gene: BRCA2 (BRCA2 DNA repair associated; plus strand). Cytogenetic location: 13q13.1.
Variant type: single nucleotide variant.
Coding change: c.9160C>T on transcript NM_000059.4 (MANE Select); coding-DNA position 9160, C replaced by T.
Protein change: p.Pro3054Ser; replaces proline 3054 with serine.
Molecular consequence: missense variant.
Genome position (GRCh38, 1-based): chr13:32,380,049, C>T. VCF-style: chr13-32380049-C-T. GRCh37 (hg19) VCF-style: chr13-32954186-C-T.
Other names: short protein forms P3054S.
Identifiers: ClinVar variation 188105 (VCV000188105.21), dbSNP rs786204070, ClinGen allele CA026009.